The following is an entry in ClinVar:

ClinVar aggregate classification (germline): Uncertain significance (1 of 4 stars; one submission).

Submission:

Labcorp Genetics (formerly Invitae), Labcorp
Classification: Uncertain significance. Last evaluated: 2023-07-10. Review status: criteria provided, single submitter. Criteria: Invitae Variant Classification Sherloc (09022015). Collection method: clinical testing. Allele origin: germline.
Comment: In summary, the available evidence is currently insufficient to determine the role of this variant in disease. Therefore, it has been classified as a Variant of Uncertain Significance. Advanced modeling of protein sequence and biophysical properties (such as structural, functional, and spatial information, amino acid conservation, physicochemical variation, residue mobility, and thermodynamic stability) performed at Invitae indicates that this missense variant is not expected to disrupt MYH3 protein function. This variant has not been reported in the literature in individuals affected with MYH3-related conditions. This variant is not present in population databases (gnomAD no frequency). This sequence change replaces alanine, which is neutral and non-polar, with proline, which is neutral and non-polar, at codon 1436 of the MYH3 protein (p.Ala1436Pro).

NM_002470.4(MYH3):c.4306G>C (p.Ala1436Pro)

Gene: MYH3 (myosin heavy chain 3; minus strand). Cytogenetic location: 17p13.1.
Variant type: single nucleotide variant.
Coding change: c.4306G>C on transcript NM_002470.4 (MANE Select); coding-DNA position 4306, G replaced by C.
Protein change: p.Ala1436Pro; replaces alanine 1436 with proline.
Molecular consequence: missense variant.
Genome position (GRCh38, 1-based): chr17:10,634,890, C>G on the plus strand (G>C on the coding strand, the complement: MYH3 is on the minus strand). VCF-style: chr17-10634890-C-G. GRCh37 (hg19) VCF-style: chr17-10538207-C-G.
Other names: short protein forms A1436P.
Identifiers: ClinVar variation 2729019 (VCV002729019.3), dbSNP rs1311445470, ClinGen allele CA398144112.